The following is an entry in ClinVar:

ClinVar aggregate classification (germline): Uncertain significance. Review status: criteria provided, multiple submitters, no conflicts (2 of 4 stars). 2 submissions from 2 submitters: Uncertain significance (2). Last evaluated 2025-08-29.

Conditions:
Familial Mediterranean fever (FMF). Also called: Periodic peritonitis; Benign paroxysmal peritonitis; POLYSEROSITIS, FAMILIAL PAROXYSMAL; POLYSEROSITIS, RECURRENT. Identifiers: Orphanet 342, MedGen C0031069, MONDO:0018088, OMIM 249100. Disease mechanism: gain of function.
Inborn genetic diseases. Identifiers: MedGen C0950123, MeSH D030342.

Submissions (2):

Ambry Genetics
Classification: Uncertain significance for Inborn genetic diseases. Last evaluated: 2025-08-29. Review status: criteria provided, single submitter. Criteria: Ambry Variant Classification Scheme 2023. Collection method: clinical testing. Allele origin: germline.

Labcorp Genetics (formerly Invitae), Labcorp
Classification: Uncertain significance for Familial Mediterranean fever. Last evaluated: 2021-10-22. Review status: criteria provided, single submitter. Criteria: Invitae Variant Classification Sherloc (09022015). Collection method: clinical testing. Allele origin: germline.
Comment: Algorithms developed to predict the effect of missense changes on protein structure and function (SIFT, PolyPhen-2, Align-GVGD) all suggest that this variant is likely to be tolerated. In summary, the available evidence is currently insufficient to determine the role of this variant in disease. Therefore, it has been classified as a Variant of Uncertain Significance. This sequence change replaces lysine with arginine at codon 422 of the MEFV protein (p.Lys422Arg). The lysine residue is weakly conserved and there is a small physicochemical difference between lysine and arginine. This variant is not present in population databases (ExAC no frequency). This variant has not been reported in the literature in individuals affected with MEFV-related conditions.

NM_000243.3(MEFV):c.1265A>G (p.Lys422Arg)

Gene: MEFV (MEFV innate immunity regulator, pyrin; minus strand). Cytogenetic location: 16p13.3.
Variant type: single nucleotide variant.
Coding change: c.1265A>G on transcript NM_000243.3 (MANE Select); coding-DNA position 1265, A replaced by G.
Protein change: p.Lys422Arg; replaces lysine 422 with arginine.
Molecular consequence: missense variant.
Genome position (GRCh38, 1-based): chr16:3,249,000, T>C on the plus strand (A>G on the coding strand, the complement: MEFV is on the minus strand). VCF-style: chr16-3249000-T-C. GRCh37 (hg19) VCF-style: chr16-3299000-T-C.
Other names: c.632A>G, p.Lys211Arg (NM_001198536.2); c.1265A>G (NM_000243.2); short protein forms K211R, K422R.
Identifiers: ClinVar variation 1388623 (VCV001388623.6), dbSNP rs1958989238, ClinGen allele CA394468694.